The following is an entry in ClinVar:

NM_002635.4(SLC25A3):c.246G>A (p.Val82=)

Gene: SLC25A3 (solute carrier family 25 member 3; plus strand). Cytogenetic location: 12q23.1.
Variant type: single nucleotide variant.
Coding change: c.246G>A on transcript NM_002635.4 (MANE Select); coding-DNA position 246, G replaced by A.
Protein change: p.Val82=; no amino-acid change (valine 82 retained).
Molecular consequence: synonymous variant. On other transcripts: intron variant (1).
Genome position (GRCh38, 1-based): chr12:98,595,815, G>A. VCF-style: chr12-98595815-G-A. GRCh37 (hg19) VCF-style: chr12-98989593-G-A.
Other names: c.246G>A, p.Val82= (NM_213611.3); c.282+258G>A (NM_005888.4).
Identifiers: ClinVar variation 2643226 (VCV002643226.25), dbSNP rs141298226, ClinGen allele CA6732918.

ClinVar aggregate classification (germline): Likely benign. Review status: criteria provided, multiple submitters, no conflicts (2 of 4 stars). 2 submissions from 2 submitters: Likely benign (2). Last evaluated 2024-03-26.

Allele frequency attached by ClinVar (database versions not stated): ESP Exome Variant Server 0.00031; gnomAD 0.00031; TOPMed 0.00032; ExAC 0.00036; gnomAD exomes 0.00042.
gnomAD v4.1: 661 of 1,614,022 alleles (0.041%); highest among the groups gnomAD compares: Non-Finnish European, 0.048%; no homozygotes.

Submissions (2):

Blueprint Genetics
Classification: Likely benign. Last evaluated: 2024-03-26. Review status: criteria provided, single submitter. Criteria: ACMG Guidelines, 2015. Collection method: clinical testing. Allele origin: germline.

CeGaT Center for Human Genetics Tuebingen
Classification: Likely benign. Last evaluated: 2023-02-01. Review status: criteria provided, single submitter. Criteria: CeGaT Center For Human Genetics Tuebingen Variant Classification Criteria Version 2. Collection method: clinical testing. Allele origin: germline. Affected: yes. Observed: 1 variant allele.
Comment: SLC25A3: BP4, BP7